The following is an entry in ClinVar:

NM_022047.4(DEF6):c.724C>T (p.Pro242Ser)

Gene: DEF6 (DEF6 guanine nucleotide exchange factor; plus strand). Cytogenetic location: 6p21.31.
Variant type: single nucleotide variant.
Coding change: c.724C>T on transcript NM_022047.4 (MANE Select); coding-DNA position 724, C replaced by T.
Protein change: p.Pro242Ser; replaces proline 242 with serine.
Molecular consequence: missense variant.
Genome position (GRCh38, 1-based): chr6:35,312,689, C>T. VCF-style: chr6-35312689-C-T. GRCh37 (hg19) VCF-style: chr6-35280466-C-T.
Other names: short protein forms P242S.
Identifiers: ClinVar variation 1468917 (VCV001468917.8), dbSNP rs2150387502, ClinGen allele CA363764043.

ClinVar aggregate classification (germline): Uncertain significance (1 of 4 stars; one submission).

gnomAD v4.1: 1 of 1,613,560 alleles (0.000062%); highest among the groups gnomAD compares: South Asian, 0.0011%; no homozygotes.

Submission:

Labcorp Genetics (formerly Invitae), Labcorp
Classification: Uncertain significance. Last evaluated: 2024-02-23. Review status: criteria provided, single submitter. Criteria: Invitae Variant Classification Sherloc (09022015). Collection method: clinical testing. Allele origin: germline.
Comment: This sequence change replaces proline, which is neutral and non-polar, with serine, which is neutral and polar, at codon 242 of the DEF6 protein (p.Pro242Ser). This variant is not present in population databases (gnomAD no frequency). This variant has not been reported in the literature in individuals affected with DEF6-related conditions. ClinVar contains an entry for this variant (Variation ID: 1468917). An algorithm developed to predict the effect of missense changes on protein structure and function (PolyPhen-2) suggests that this variant is likely to be disruptive. In summary, the available evidence is currently insufficient to determine the role of this variant in disease. Therefore, it has been classified as a Variant of Uncertain Significance.